The following is an entry in ClinVar:

NM_001278298.2(COL6A5):c.6487C>T (p.Arg2163Trp)

Gene: COL6A5 (collagen type VI alpha 5 chain; plus strand). Cytogenetic location: 3q22.1.
Variant type: single nucleotide variant.
Coding change: c.6487C>T on transcript NM_001278298.2 (MANE Select); coding-DNA position 6487, C replaced by T.
Protein change: p.Arg2163Trp; replaces arginine 2163 with tryptophan.
Molecular consequence: missense variant. On other transcripts: non-coding transcript variant (1).
Genome position (GRCh38, 1-based): chr3:130,440,825, C>T. VCF-style: chr3-130440825-C-T. GRCh37 (hg19) VCF-style: chr3-130159669-C-T.
Other names: c.6487C>T, p.Arg2163Trp (NM_001412157.1, NM_153264.7); short protein forms R2163W.
Identifiers: ClinVar variation 3035361 (VCV003035361.2), dbSNP rs75098601, ClinGen allele CA2611490.

ClinVar aggregate classification (germline): Likely benign (0 of 4 stars; one submission).

Conditions:
COL6A5-related disorder. Also called: COL6A5-related condition.

Allele frequency attached by ClinVar (database versions not stated): 1000 Genomes Project 30x 0.00109; 1000 Genomes Project 0.00120; ESP Exome Variant Server 0.00127.

Submission:

PreventionGenetics, part of Exact Sciences
Classification: Likely benign for COL6A5-related condition. Last evaluated: 2022-12-28. Review status: no assertion criteria provided. Collection method: clinical testing. Allele origin: germline.
Comment: This variant is classified as likely benign based on ACMG/AMP sequence variant interpretation guidelines (Richards et al. 2015 PMID: 25741868, with internal and published modifications).